The following is an entry in ClinVar:

NM_001042492.3(NF1):c.1679T>A (p.Leu560Ter)

Gene: NF1 (neurofibromin 1; plus strand). Cytogenetic location: 17q11.2.
Variant type: single nucleotide variant.
Coding change: c.1679T>A on transcript NM_001042492.3 (MANE Select); coding-DNA position 1679, T replaced by A.
Protein change: p.Leu560Ter; replaces leucine 560 with a stop codon.
Molecular consequence: nonsense.
Genome position (GRCh38, 1-based): chr17:31,221,887, T>A. VCF-style: chr17-31221887-T-A. GRCh37 (hg19) VCF-style: chr17-29548905-T-A.
Other names: c.1679T>A, p.Leu560Ter (NM_000267.4, NM_001128147.3); short protein forms L560*.
Identifiers: ClinVar variation 2860193 (VCV002860193.3), dbSNP rs2144004304, ClinGen allele CA399002289.

ClinVar aggregate classification (germline): Pathogenic (1 of 4 stars; one submission).

Conditions:
Neurofibromatosis, type 1 (NF1). Also called: Neurofibromatosis, type I; NEUROFIBROMATOSIS, TYPE I, SOMATIC; Peripheral type neurofibromatosis; VON RECKLINGHAUSEN DISEASE. Identifiers: Orphanet 636, MedGen C0027831, MONDO:0018975, OMIM 162200. Disease mechanism: loss of function.

Submission:

Labcorp Genetics (formerly Invitae), Labcorp
Classification: Pathogenic for Neurofibromatosis, type 1. Last evaluated: 2023-04-28. Review status: criteria provided, single submitter. Criteria: Invitae Variant Classification Sherloc (09022015). Collection method: clinical testing. Allele origin: germline.
Comment: For these reasons, this variant has been classified as Pathogenic. Algorithms developed to predict the effect of sequence changes on RNA splicing suggest that this variant may disrupt the consensus splice site. This sequence change creates a premature translational stop signal (p.Leu560*) in the NF1 gene. It is expected to result in an absent or disrupted protein product. Loss-of-function variants in NF1 are known to be pathogenic (PMID: 10712197, 23913538). This variant is not present in population databases (gnomAD no frequency). This variant has not been reported in the literature in individuals affected with NF1-related conditions.

Literature cited by the submitters: PubMed 10712197; PubMed 23913538.